The following is an entry in ClinVar:

ClinVar aggregate classification (germline): Benign/Likely benign. Review status: criteria provided, multiple submitters, no conflicts (2 of 4 stars). 6 submissions from 6 submitters: Benign (2); Likely benign (4). Last evaluated 2026-01-09.

Allele frequency attached by ClinVar (database versions not stated): gnomAD 0.00325 and 0.00314; TOPMed 0.00357; 1000 Genomes Project 0.00499; 1000 Genomes Project 30x 0.00547; gnomAD exomes 0.00036 and 0.00083; ExAC 0.00102; ESP Exome Variant Server 0.00235.
gnomAD v4.1: 1,018 of 1,613,630 alleles (0.063%); highest among the groups gnomAD compares: African/African-American, 1.1%; 5 homozygotes.

Submissions (6):

Labcorp Genetics (formerly Invitae), Labcorp
Classification: Benign. Last evaluated: 2026-01-09. Review status: criteria provided, single submitter. Criteria: Invitae Variant Classification Sherloc (09022015). Collection method: clinical testing. Allele origin: germline.

Mayo Clinic Laboratories, Mayo Clinic
Classification: Likely benign. Last evaluated: 2025-09-10. Review status: criteria provided, single submitter. Criteria: ACMG Guidelines, 2015. Collection method: clinical testing. Allele origin: germline. Observed: 25 variant alleles.
Comment: BS1, BP4

ARUP Laboratories, Molecular Genetics and Genomics, ARUP Laboratories
Classification: Likely benign. Last evaluated: 2025-02-21. Review status: criteria provided, single submitter. Criteria: ARUP Molecular Germline Variant Investigation Process 2024. Collection method: clinical testing. Allele origin: germline.

Blueprint Genetics
Classification: Likely benign. Last evaluated: 2024-10-09. Review status: criteria provided, single submitter. Criteria: ACMG Guidelines, 2015. Collection method: clinical testing. Allele origin: germline.

Breakthrough Genomics
Classification: Likely benign. Review status: criteria provided, single submitter. Criteria: ACMG Guidelines, 2015. Collection method: not provided. Allele origin: germline. Inheritance: Autosomal recessive inheritance. Affected: yes.

PreventionGenetics, part of Exact Sciences
Classification: Benign. Review status: criteria provided, single submitter. Criteria: ACMG Guidelines, 2015. Collection method: clinical testing. Allele origin: germline.

NM_003126.4(SPTA1):c.4477C>T (p.Arg1493Trp)

Gene: SPTA1 (spectrin alpha, erythrocytic 1; minus strand). Cytogenetic location: 1q23.1.
Variant type: single nucleotide variant.
Coding change: c.4477C>T on transcript NM_003126.4 (MANE Select); coding-DNA position 4477, C replaced by T.
Protein change: p.Arg1493Trp; replaces arginine 1493 with tryptophan.
Molecular consequence: missense variant.
Genome position (GRCh38, 1-based): chr1:158,642,942, G>A on the plus strand (C>T on the coding strand, the complement: SPTA1 is on the minus strand). VCF-style: chr1-158642942-G-A. GRCh37 (hg19) VCF-style: chr1-158612732-G-A.
Other names: p.Arg1493Trp; short protein forms R1493W.
Identifiers: ClinVar variation 258939 (VCV000258939.21), dbSNP rs35237700, ClinGen allele CA1182677.
Genomic context (GRCh38, chr1:158,642,942, plus strand): 5'-CCAGCTCCTCAAGGTCTCGGTAGAATTGTTTTAGGTTGGCATAGTCTCCAAGCTTTGTCC[G>A]CTCATCAATCAGTTGTGCTTTGAGAGCCTTCCACCTAGAGGACGGAGCCAAATCACTCTA-3'
Protein context (NP_003117.2, residues 1483-1503): KALKAQLIDE[Arg1493Trp]TKLGDYANLK